The following is an entry in ClinVar:

ClinVar aggregate classification (germline): Pathogenic. Review status: criteria provided, multiple submitters, no conflicts (2 of 4 stars). 11 submissions from 11 submitters: Pathogenic (10). 1 of the submissions does not count toward it. Last evaluated 2026-06-17.

Conditions:
USH1C-related disorder. Also called: USH1C-related condition.
Usher syndrome type 1C. Also called: USHER SYNDROME, TYPE I, ACADIAN VARIETY. Identifiers: Orphanet 231169, Orphanet 886, MedGen C1848604, MONDO:0010171, OMIM 276904.
Autosomal recessive nonsyndromic hearing loss 18A. Also called: DEAFNESS, AUTOSOMAL RECESSIVE 18; Deafness, autosomal recessive 18A. Identifiers: Orphanet 90636, MedGen C1865870, MONDO:0011192, OMIM 602092.
Usher syndrome type 1 (USH1). Also called: RETINITIS PIGMENTOSA AND CONGENITAL DEAFNESS. Identifiers: Orphanet 231169, Orphanet 886, MedGen C1568247, MONDO:0010168, OMIM 276900.

Allele frequency attached by ClinVar (database versions not stated): TOPMed 0.00002.
gnomAD v4.1: 32 of 1,499,138 alleles (0.0021%); highest among the groups gnomAD compares: Non-Finnish European, 0.0028%; no homozygotes.

Submissions (11):

PreventionGenetics, part of Exact Sciences
Classification: Pathogenic for USH1C-related condition. Last evaluated: 2026-06-17. Review status: criteria provided, single submitter. Criteria: ACMG Guidelines, 2015. Collection method: clinical testing. Allele origin: germline.
Comment: The USH1C c.496+1G>T variant is predicted to disrupt the GT donor site and interfere with normal splicing. This variant has been reported in the compound heterozygous and in the presumed compound heterozygous state in individuals with Usher syndrome 1 (Ebermann et al. 2007. PubMed ID: 17407589; supplementary data, Bujakowska et al. 2014. PubMed ID: 25468891). This variant is reported in 0.0044% of alleles in individuals of European (Non-Finnish) descent in gnomAD and is interpreted as pathogenic in ClinVar (Variation ID: 551814). Variants that disrupt the consensus splice donor site in USH1C are expected to be pathogenic. This variant is interpreted as pathogenic.

Labcorp Genetics (formerly Invitae), Labcorp
Classification: Pathogenic. Last evaluated: 2025-03-17. Review status: criteria provided, single submitter. Criteria: Invitae Variant Classification Sherloc (09022015). Collection method: clinical testing. Allele origin: germline.
Comment: This sequence change affects a donor splice site in intron 5 of the USH1C gene. It is expected to disrupt RNA splicing. Variants that disrupt the donor or acceptor splice site typically lead to a loss of protein function (PMID: 16199547), and loss-of-function variants in USH1C are known to be pathogenic (PMID: 10973247, 17407589, 20301442, 21203349). This variant is present in population databases (rs138138689, gnomAD 0.005%). Disruption of this splice site has been observed in individuals with Usher syndrome (PMID: 17407589, 25468891). ClinVar contains an entry for this variant (Variation ID: 551814). Algorithms developed to predict the effect of sequence changes on RNA splicing suggest that this variant may disrupt the consensus splice site. For these reasons, this variant has been classified as Pathogenic.

Natera, Inc.
Classification: Pathogenic for Usher syndrome type 1C. Last evaluated: 2025-03-03. Review status: criteria provided, single submitter. Criteria: Natera Variant Classification Schema (03/2026). Collection method: clinical testing. Allele origin: germline.
Comment: The c.496+1G>T variant in USH1C is a canonical splice donor site variant predicted to affect pre-mRNA splicing, which may result in an abnormal transcript and altered protein product. This variant is expected to result in nonsense mediated decay, truncation, or a dysfunctional protein product. This variant is rare in the general population with a frequency below the threshold expected for the associated phenotype(s). This variant has been observed in one or more individuals affected with the associated recessive disease, as either homozygous or compound heterozygous with a second variant (PMID: 25468891). Given the available evidence, this variant is classified as Pathogenic.

Blueprint Genetics
Classification: Pathogenic for USH1C-related disorders. Last evaluated: 2024-08-19. Review status: criteria provided, single submitter. Criteria: ACMG Guidelines, 2015. Collection method: clinical testing. Allele origin: germline. Affected: yes. Observed: 5 variant alleles.

Baylor Genetics
Classification: Pathogenic for Autosomal recessive nonsyndromic hearing loss 18A. Last evaluated: 2024-02-28. Review status: criteria provided, single submitter. Criteria: ACMG Guidelines, 2015. Collection method: clinical testing. Allele origin: unknown.

GeneDx
Classification: Pathogenic. Last evaluated: 2022-06-11. Review status: criteria provided, single submitter. Criteria: GeneDx Variant Classification Process June 2021. Collection method: clinical testing. Allele origin: germline. Affected: yes.
Comment: Not observed at significant frequency in large population cohorts (gnomAD); Canonical splice site variant predicted to result in a null allele in a gene for which loss of function is a known mechanism of disease; This variant is associated with the following publications: (PMID: 25468891, 24498627, 25525159, 17407589, 31589614)

Fulgent Genetics
Classification: Pathogenic for Usher syndrome type 1; Usher syndrome type 1C; Autosomal recessive nonsyndromic hearing loss 18A. Last evaluated: 2021-07-27. Review status: criteria provided, single submitter. Criteria: ACMG Guidelines, 2015. Collection method: clinical testing. Allele origin: unknown.

Institute of Medical Genetics and Applied Genomics, University Hospital Tübingen
Classification: Pathogenic. Last evaluated: 2020-10-23. Review status: criteria provided, single submitter. Criteria: ACMG Guidelines, 2015. Collection method: clinical testing. Allele origin: germline. Inheritance: Autosomal recessive inheritance. Affected: yes.

Revvity Omics, Revvity
Classification: Pathogenic. Last evaluated: 2019-07-03. Review status: criteria provided, single submitter. Criteria: ACMG Guidelines, 2015. Collection method: clinical testing. Allele origin: germline.

CeGaT Center for Human Genetics Tuebingen
Classification: Pathogenic. Last evaluated: 2016-11-01. Review status: criteria provided, single submitter. Criteria: CeGaT Center For Human Genetics Tuebingen Variant Classification Criteria Version 2. Collection method: clinical testing. Allele origin: germline. Affected: yes. Observed: 1 variant allele.

Counsyl
Classification: Pathogenic for Usher syndrome type 1C; Autosomal recessive nonsyndromic hearing loss 18A. Last evaluated: 2017-05-08. Review status: no assertion criteria provided. Collection method: clinical testing. Allele origin: unknown. Not counted in ClinVar's aggregate classification.

Literature cited by the submitters: PubMed 16199547 (cited by Labcorp Genetics (formerly Invitae), Labcorp); PubMed 10973247 (cited by Labcorp Genetics (formerly Invitae), Labcorp); PubMed 17407589 (cited by Labcorp Genetics (formerly Invitae), Labcorp and Counsyl); PubMed 20301442 (cited by Labcorp Genetics (formerly Invitae), Labcorp); PubMed 21203349 (cited by Labcorp Genetics (formerly Invitae), Labcorp); PubMed 25468891 (cited by 3 submitters); PubMed 25525159 (cited by Counsyl); PubMed 24498627 (cited by Counsyl).

NM_153676.4(USH1C):c.496+1G>T

Gene: USH1C (USH1 protein network component harmonin; minus strand). Cytogenetic location: 11p15.1.
Variant type: single nucleotide variant.
Coding change: c.496+1G>T on transcript NM_153676.4 (MANE Select); the canonical splice donor site of the intron after coding-DNA position 496, G replaced by T.
Molecular consequence: splice donor variant.
Genome position (GRCh38, 1-based): chr11:17,527,222, C>A on the plus strand (G>T on the coding strand, the complement: USH1C is on the minus strand). VCF-style: chr11-17527222-C-A. GRCh37 (hg19) VCF-style: chr11-17548769-C-A.
Other names: c.496+1G>T (NM_001297764.2, NM_005709.4, NM_153676.3).
Identifiers: ClinVar variation 551814 (VCV000551814.62), dbSNP rs138138689, ClinGen allele CA5905032.